The following is an entry in ClinVar:

ClinVar aggregate classification (germline): Benign. Review status: reviewed by expert panel (3 of 4 stars). 19 submissions from 17 submitters: Benign (1). 18 of the submissions do not count toward it. Last evaluated 2021-03-17.

Conditions:
RYR1-related disorder. Also called: RYR1-related disorders; RYR1-related condition. Identifiers: MedGen CN239331.
Congenital multicore myopathy with external ophthalmoplegia (CMYO1B). Also called: MULTICORE MYOPATHY; Minicore myopathy with external ophthalmoplegia; Congenital myopathy 1B, autosomal recessive; Minicore myopathy; MULTIMINICORE DISEASE WITH EXTERNAL OPHTHALMOPLEGIA. Identifiers: Orphanet 598, Orphanet 98905, MedGen C1850674, MONDO:0009712, OMIM 255320, HP:0003789.
Central core myopathy (CMYO1A). Also called: Central core disease; Myopathy, central fibrillar; CONGENITAL MYOPATHY 1A, AUTOSOMAL DOMINANT, WITH SUSCEPTIBILITY TO MALIGNANT HYPERTHERMIA. Identifiers: Orphanet 597, MedGen C5830701, MONDO:0007294, OMIM 117000.
Malignant hyperthermia, susceptibility to, 1 (MHS1). Also called: Malignant hyperthermia suceptibility 1; Anesthesia related hyperthermia; Malignant hyperpyrexia; Fulminating hyperpyrexia; Pharmacogenic myopathy; RYR1-Related Malignant Hyperthermia Susceptibility. Identifiers: Orphanet 423, MedGen C2930980, MONDO:0007783, OMIM 145600.

Allele frequency attached by ClinVar (database versions not stated): gnomAD 0.04425 and 0.04715; TOPMed 0.05087; gnomAD exomes 0.01047 and 0.00454; ExAC 0.02215; ESP Exome Variant Server 0.03703; 1000 Genomes Project 30x 0.05746; 1000 Genomes Project 0.05411.
gnomAD v4.1: 13,533 of 1,560,538 alleles (0.87%); highest among the groups gnomAD compares: African/African-American, 16%; 933 homozygotes.

Submissions (19):

ClinGen Malignant Hyperthermia Susceptibility Variant Curation Expert Panel, ClinGen
Classification: Benign for Malignant hyperthermia, susceptibility to, 1. Last evaluated: 2021-03-17. Review status: reviewed by expert panel. Criteria: ClinGen MHS ACMG Specifications V1. Collection method: curation. Allele origin: germline. Inheritance: Autosomal dominant inheritance. Study: ClinGen.
Comment: This pathogenicity assessment is relevant only for malignant hyperthermia susceptibility (MHS) inherited in an autosomal dominant pattern. Variants in RYR1 can also cause other myopathies inherited in an autosomal dominant pattern or in an autosomal recessive pattern. Some of these disorders may predispose individuals to malignant hyperthermia. RYR1 variants may also contribute to a malignant hyperthermia reaction in combination with other genetic and non-genetic factors and the clinician needs to consider such factors in making management decisions. This sequence variant predicts a substitution of Serine with Glycine at codon 1342 of the RYR1 protein, p.(Ser1342Gly). The maximum allele frequency for this variant among the six major gnomAD populations is AFR: 0.1566, which is considered to be too common for a pathogenic variant causing autosomal dominantly inherited MHS, BA1. This variant has been classified as Benign. Criteria implemented: BA1.

Labcorp Genetics (formerly Invitae), Labcorp
Classification: Benign for RYR1-related disorder. Last evaluated: 2026-02-03. Review status: criteria provided, single submitter. Criteria: Invitae Variant Classification Sherloc (09022015). Collection method: clinical testing. Allele origin: germline. Not counted in ClinVar's aggregate classification.

ARUP Laboratories, Molecular Genetics and Genomics, ARUP Laboratories
Classification: Benign. Last evaluated: 2025-06-27. Review status: criteria provided, single submitter. Criteria: ARUP Molecular Germline Variant Investigation Process 2024. Collection method: clinical testing. Allele origin: germline. Not counted in ClinVar's aggregate classification.

All of Us Research Program, National Institutes of Health
Classification: Benign for Malignant hyperthermia, susceptibility to, 1. Last evaluated: 2024-09-27. Review status: criteria provided, single submitter. Criteria: ACMG Guidelines, 2015. Collection method: clinical testing. Allele origin: germline. Inheritance: Autosomal dominant inheritance. Observed: 3,658 variant alleles, 3,435 heterozygotes, 223 homozygotes. Not counted in ClinVar's aggregate classification.
Comment: This study involves interpretation of variants in research participants for the purpose of population health screening. Participant phenotype was not available at the time of variant classification. Additional details can be found in publication PMID: 35346344, PMCID: PMC8962531

Color Diagnostics, LLC DBA Color Health
Classification: Benign for Malignant hyperthermia, susceptibility to, 1. Last evaluated: 2023-10-16. Review status: criteria provided, single submitter. Criteria: ACMG Guidelines, 2015. Collection method: clinical testing. Allele origin: germline. Not counted in ClinVar's aggregate classification.

Athena Diagnostics
Classification: Benign. Last evaluated: 2019-11-04. Review status: criteria provided, single submitter. Criteria: Athena Diagnostics Criteria. Collection method: clinical testing. Allele origin: unknown. Not counted in ClinVar's aggregate classification.

PreventionGenetics, part of Exact Sciences
Classification: Benign. Last evaluated: 2018-04-03. Review status: criteria provided, single submitter. Criteria: ACMG Guidelines, 2015. Collection method: clinical testing. Allele origin: germline. Not counted in ClinVar's aggregate classification.

Illumina Laboratory Services, Illumina
Classification: Benign for Central core myopathy. Last evaluated: 2018-03-06. Review status: criteria provided, single submitter. Criteria: ICSL Variant Classification Criteria 13 December 2019. Collection method: clinical testing. Allele origin: germline. Not counted in ClinVar's aggregate classification.
Comment: This variant was observed in the ICSL laboratory as part of a predisposition screen in an ostensibly healthy population. It had not been previously curated by ICSL or reported in the Human Gene Mutation Database (HGMD: prior to June 1st, 2018), and was therefore a candidate for classification through an automated scoring system. Utilizing variant allele frequency, disease prevalence and penetrance estimates, and inheritance mode, an automated score was calculated to assess if this variant is too frequent to cause the disease. Based on the score and internal cut-off values, a variant classified as benign is not then subjected to further curation. The score for this variant resulted in a classification of benign for this disease.

Illumina Laboratory Services, Illumina
Classification: Benign for Congenital multicore myopathy with external ophthalmoplegia. Last evaluated: 2018-03-06. Review status: criteria provided, single submitter. Criteria: ICSL Variant Classification Criteria 13 December 2019. Collection method: clinical testing. Allele origin: germline. Not counted in ClinVar's aggregate classification.
Comment: the same text as in the submission from Illumina Laboratory Services, Illumina above.

Illumina Laboratory Services, Illumina
Classification: Benign for Malignant hyperthermia, susceptibility to, 1. Last evaluated: 2018-03-06. Review status: criteria provided, single submitter. Criteria: ICSL Variant Classification Criteria 13 December 2019. Collection method: clinical testing. Allele origin: germline. Not counted in ClinVar's aggregate classification.
Comment: the same text as in the submission from Illumina Laboratory Services, Illumina above.

Mayo Clinic Laboratories, Mayo Clinic
Classification: Benign. Last evaluated: 2018-02-22. Review status: criteria provided, single submitter. Criteria: ACMG Guidelines, 2015. Collection method: clinical testing. Allele origin: germline. Observed: 31 variant alleles. Not counted in ClinVar's aggregate classification.

Eurofins Ntd Llc (ga)
Classification: Benign. Last evaluated: 2017-01-06. Review status: criteria provided, single submitter. Criteria: EGL Classification Definitions 2015. Collection method: clinical testing. Allele origin: germline. Observed: 3 variant alleles, 3 heterozygotes. Not counted in ClinVar's aggregate classification.

GeneDx
Classification: Benign. Last evaluated: 2016-05-06. Review status: criteria provided, single submitter. Criteria: GeneDx Variant Classification (06012015). Collection method: clinical testing. Allele origin: germline. Affected: yes. Not counted in ClinVar's aggregate classification.
Comment: This variant is considered likely benign or benign based on one or more of the following criteria: it is a conservative change, it occurs at a poorly conserved position in the protein, it is predicted to be benign by multiple in silico algorithms, and/or has population frequency not consistent with disease.

Biesecker Lab/Clinical Genomics Section, National Institutes of Health
Classification: Benign for Malignant hyperthermia, susceptibility to, 1. Last evaluated: 2013-07-01. Review status: criteria provided, single submitter. Criteria: Gonsalves et al. 2013. Collection method: research. Allele origin: unknown. Observed: 1 variant allele. Study: ClinSeq. Not counted in ClinVar's aggregate classification.
Comment: The study set was not selected for affection status in relation to any myopathy. Pathogenicity categories were based on literature curation. See Pubmed ID: 24195946 for details.

Genetic Services Laboratory, University of Chicago
Classification: Benign. Last evaluated: 2013-02-08. Review status: criteria provided, single submitter. Criteria: ACMG Guidelines, 2007. Collection method: clinical testing. Allele origin: germline. Inheritance: Autosomal unknown. Not counted in ClinVar's aggregate classification.

Breakthrough Genomics
Classification: Benign. Review status: criteria provided, single submitter. Criteria: ACMG Guidelines, 2015. Collection method: not provided. Allele origin: germline. Inheritance: Autosomal recessive inheritance. Affected: yes. Not counted in ClinVar's aggregate classification.

Joint Genome Diagnostic Labs from Nijmegen and Maastricht, Radboudumc and MUMC+
Classification: Benign. Review status: no assertion criteria provided. Collection method: clinical testing. Allele origin: germline. Affected: yes. Study: VKGL Data-share Consensus. Not counted in ClinVar's aggregate classification.

Laboratory of Diagnostic Genome Analysis, Leiden University Medical Center (LUMC)
Classification: Benign. Review status: no assertion criteria provided. Collection method: clinical testing. Allele origin: germline. Affected: yes. Study: VKGL Data-share Consensus. Not counted in ClinVar's aggregate classification.

RYR1 database
No classification provided. Review status: no classification provided. Collection method: not provided. Allele origin: unknown. Not counted in ClinVar's aggregate classification.

Literature cited by the submitters: PubMed 21911697 (cited by Athena Diagnostics); PubMed 24195946 (cited by Athena Diagnostics).

NM_000540.3(RYR1):c.4024A>G (p.Ser1342Gly)

Gene: RYR1 (ryanodine receptor 1; plus strand). Cytogenetic location: 19q13.2.
Variant type: single nucleotide variant.
Coding change: c.4024A>G on transcript NM_000540.3 (MANE Select); coding-DNA position 4024, A replaced by G.
Protein change: p.Ser1342Gly; replaces serine 1342 with glycine.
Molecular consequence: missense variant.
Genome position (GRCh38, 1-based): chr19:38,473,635, A>G. VCF-style: chr19-38473635-A-G. GRCh37 (hg19) VCF-style: chr19-38964275-A-G.
Other names: NM_000540.2(RYR1):c.4024A>G; c.4024A>G, p.Ser1342Gly (NM_001042723.2); short protein forms S1342G.
Identifiers: ClinVar variation 93265 (VCV000093265.32), dbSNP rs34694816, ClinGen allele CA024415.